The following is an entry in ClinVar:

ClinVar aggregate classification (germline): Likely benign (1 of 4 stars; one submission).

Allele frequency attached by ClinVar (database versions not stated): gnomAD exomes 0.00030; 1000 Genomes Project 0.00220; 1000 Genomes Project 30x 0.00234; gnomAD 0.00265 and 0.00296; TOPMed 0.00291.
gnomAD v4.1: 601 of 741,894 alleles (0.081%); highest among the groups gnomAD compares: African/African-American, 0.9%; 2 homozygotes.

Submission:

GeneDx
Classification: Likely benign. Last evaluated: 2018-06-19. Review status: criteria provided, single submitter. Criteria: GeneDx Variant Classification (06012015). Collection method: clinical testing. Allele origin: germline. Affected: yes.
Comment: This variant is considered likely benign or benign based on one or more of the following criteria: it is a conservative change, it occurs at a poorly conserved position in the protein, it is predicted to be benign by multiple in silico algorithms, and/or has population frequency not consistent with disease.

NM_020631.6(PLEKHG5):c.1080+131G>A

Gene: PLEKHG5 (pleckstrin homology and RhoGEF domain containing G5; minus strand). Cytogenetic location: 1p36.31.
Variant type: single nucleotide variant.
Coding change: c.1080+131G>A on transcript NM_020631.6 (MANE Select); 131 bases into the intron after coding-DNA position 1080, G replaced by A.
Molecular consequence: intron variant.
Genome position (GRCh38, 1-based): chr1:6,472,396, C>T on the plus strand (G>A on the coding strand, the complement: PLEKHG5 is on the minus strand). VCF-style: chr1-6472396-C-T. GRCh37 (hg19) VCF-style: chr1-6532456-C-T.
Other names: c.1080+131G>A (NM_198681.4, NM_001265594.3, NM_001042664.2 and 1 more transcripts); c.1191+131G>A (NM_001042663.3, NM_001265592.2); c.1287+131G>A (NM_001265593.2).
Identifiers: ClinVar variation 679832 (VCV000679832.1), dbSNP rs75624694, ClinGen allele CA17240818.